The following is an entry in ClinVar:

ClinVar aggregate classification (germline): Benign/Likely benign. Review status: criteria provided, multiple submitters, no conflicts (2 of 4 stars). 2 submissions from 2 submitters: Benign (1); Likely benign (1). Last evaluated 2025-12-01.

Allele frequency attached by ClinVar (database versions not stated): gnomAD exomes 0.00047; 1000 Genomes Project 0.00379; gnomAD 0.00379; 1000 Genomes Project 30x 0.00390; ESP Exome Variant Server 0.00416; TOPMed 0.00456.
gnomAD v4.1: 1,277 of 1,519,232 alleles (0.084%); highest among the groups gnomAD compares: African/African-American, 1.3%; 10 homozygotes.

Submissions (2):

CeGaT Center for Human Genetics Tuebingen
Classification: Likely benign. Last evaluated: 2025-12-01. Review status: criteria provided, single submitter. Criteria: CeGaT Center For Human Genetics Tuebingen Variant Classification Criteria Version 2. Collection method: clinical testing. Allele origin: germline. Affected: yes. Observed: 1 variant allele.
Comment: TSHR: BS1

Labcorp Genetics (formerly Invitae), Labcorp
Classification: Benign. Last evaluated: 2025-01-06. Review status: criteria provided, single submitter. Criteria: Invitae Variant Classification Sherloc (09022015). Collection method: clinical testing. Allele origin: germline.

NM_000369.5(TSHR):c.614+68T>G

Genes: TSHR (thyroid stimulating hormone receptor; plus strand), TSHR-AS1 (TSHR antisense RNA 1; minus strand). Cytogenetic location: 14q31.1.
Variant type: single nucleotide variant.
Coding change: c.614+68T>G on transcript NM_000369.5 (MANE Select); 68 bases into the intron after coding-DNA position 614, T replaced by G.
Molecular consequence: intron variant.
Genome position (GRCh38, 1-based): chr14:81,096,775, T>G. VCF-style: chr14-81096775-T-G. GRCh37 (hg19) VCF-style: chr14-81563119-T-G.
Other names: c.614+68T>G (NM_001142626.3, NM_001018036.3).
Identifiers: ClinVar variation 2893184 (VCV002893184.8), dbSNP rs143539338, ClinGen allele CA263959685.